The following is an entry in ClinVar:

ClinVar aggregate classification (germline): Likely pathogenic (1 of 4 stars; one submission).

Conditions:
Fanconi anemia (FA). Also called: Fanconi's anemia. Identifiers: Orphanet 84, MedGen C0015625, MeSH D005199, MONDO:0019391.

Submission:

Labcorp Genetics (formerly Invitae), Labcorp
Classification: Likely pathogenic for Fanconi anemia. Last evaluated: 2024-02-02. Review status: criteria provided, single submitter. Criteria: Invitae Variant Classification Sherloc (09022015). Collection method: clinical testing. Allele origin: germline.
Comment: This sequence change affects a donor splice site in intron 33 of the FANCI gene. It is expected to disrupt RNA splicing. Variants that disrupt the donor or acceptor splice site typically lead to a loss of protein function (PMID: 16199547), and loss-of-function variants in FANCI are known to be pathogenic (PMID: 17452773, 17460694). This variant is not present in population databases (gnomAD no frequency). This variant has not been reported in the literature in individuals affected with FANCI-related conditions. Algorithms developed to predict the effect of sequence changes on RNA splicing suggest that this variant may disrupt the consensus splice site. In summary, the currently available evidence indicates that the variant is pathogenic, but additional data are needed to prove that conclusively. Therefore, this variant has been classified as Likely Pathogenic.

Literature cited by the submitters: PubMed 16199547; PubMed 17452773; PubMed 17460694.

NM_001113378.2(FANCI):c.3591+1G>A

Gene: FANCI (FA complementation group I; plus strand). Cytogenetic location: 15q26.1.
Variant type: single nucleotide variant.
Coding change: c.3591+1G>A on transcript NM_001113378.2 (MANE Select); the canonical splice donor site of the intron after coding-DNA position 3591, G replaced by A.
Molecular consequence: splice donor variant.
Genome position (GRCh38, 1-based): chr15:89,307,530, G>A. VCF-style: chr15-89307530-G-A. GRCh37 (hg19) VCF-style: chr15-89850761-G-A.
Other names: c.3411+1G>A (NM_018193.3); c.3591+1G>A (NM_001376911.1); c.3312+1G>A (NM_001376910.1).
Identifiers: ClinVar variation 3710322 (VCV003710322.2).
Genomic context (GRCh38, chr15:89,307,530, plus strand): 5'-TATTAGTATCTCCAGGTGTGTCAGAGCTCCGGAGGAATTCCAAAAAATATGGAAAAGCTG[G>A]TGAGTTGAGAATGCCTTTCCTAGGAATGGGGGAAGCACTTTTACTGCTGGTTACATTGGT-3'